The following is an entry in ClinVar:

NM_001367624.2(ZNF469):c.2125C>T (p.Pro709Ser)

Gene: ZNF469 (zinc finger protein 469; plus strand). Cytogenetic location: 16q24.2.
Variant type: single nucleotide variant.
Coding change: c.2125C>T on transcript NM_001367624.2 (MANE Select); coding-DNA position 2125, C replaced by T.
Protein change: p.Pro709Ser; replaces proline 709 with serine.
Molecular consequence: missense variant.
Genome position (GRCh38, 1-based): chr16:88,429,595, C>T. VCF-style: chr16-88429595-C-T. GRCh37 (hg19) VCF-style: chr16-88496003-C-T.
Other names: NM_001127464.1:c.2125C>T; short protein forms P709S.
Identifiers: ClinVar variation 5032195 (VCV005032195.1).

ClinVar aggregate classification (germline): Uncertain significance (1 of 4 stars; one submission).

Conditions:
Cardiovascular phenotype. Identifiers: MedGen CN230736.

gnomAD v4.1: 5 of 1,549,396 alleles (0.00032%); highest among the groups gnomAD compares: Admixed American, 0.0039%; no homozygotes.

Submission:

Ambry Genetics
Classification: Uncertain significance for Cardiovascular phenotype. Last evaluated: 2026-08-19. Review status: criteria provided, single submitter. Criteria: Ambry Variant Classification Scheme 2023. Collection method: clinical testing. Allele origin: germline.
Comment: The p.P709S variant (also known as c.2125C>T), located in coding exon 1 of the ZNF469 gene, results from a C to T substitution at nucleotide position 2125. The proline at codon 709 is replaced by serine, an amino acid with similar properties. This amino acid position is conserved. In addition, this alteration is predicted to be tolerated by in silico analysis. Based on the available evidence, the clinical significance of this variant remains unclear.